The following is an entry in ClinVar:

ClinVar aggregate classification (germline): Pathogenic (1 of 4 stars; one submission).

Conditions:
Sulfite oxidase deficiency due to molybdenum cofactor deficiency type A. Also called: Molybdenum cofactor deficiency, complementation group A; Molybdenum Cofactor Deficiency A. Identifiers: Orphanet 308386, Orphanet 833, MedGen C1854988, MONDO:0009643, OMIM 252150.

Submission:

Labcorp Genetics (formerly Invitae), Labcorp
Classification: Pathogenic for Sulfite oxidase deficiency due to molybdenum cofactor deficiency type A. Last evaluated: 2023-12-22. Review status: criteria provided, single submitter. Criteria: Invitae Variant Classification Sherloc (09022015). Collection method: clinical testing. Allele origin: germline.
Comment: This sequence change creates a premature translational stop signal (p.Gln141*) in the MOCS1 gene. It is expected to result in an absent or disrupted protein product. Loss-of-function variants in MOCS1 are known to be pathogenic (PMID: 12754701, 16021469). This variant is not present in population databases (gnomAD no frequency). This variant has not been reported in the literature in individuals affected with MOCS1-related conditions. For these reasons, this variant has been classified as Pathogenic.

Literature cited by the submitters: PubMed 12754701; PubMed 16021469.

NM_001358530.2(MOCS1):c.421C>T (p.Gln141Ter)

Gene: MOCS1 (molybdenum cofactor synthesis 1; minus strand). Cytogenetic location: 6p21.2.
Variant type: single nucleotide variant.
Coding change: c.421C>T on transcript NM_001358530.2 (MANE Select); coding-DNA position 421, C replaced by T.
Protein change: p.Gln141Ter; replaces glutamine 141 with a stop codon.
Molecular consequence: nonsense. On other transcripts: non-coding transcript variant (1).
Genome position (GRCh38, 1-based): chr6:39,916,230, G>A on the plus strand (C>T on the coding strand, the complement: MOCS1 is on the minus strand). VCF-style: chr6-39916230-G-A. GRCh37 (hg19) VCF-style: chr6-39883974-G-A.
Other names: c.421C>T, p.Gln141Ter (NM_001075098.4, NM_001358529.2, NM_005943.6); c.160C>T, p.Gln54Ter (NM_001358531.2, NM_001358533.2, NM_001358534.2); short protein forms Q141*, Q54*.
Identifiers: ClinVar variation 2833976 (VCV002833976.3), dbSNP rs368942024, ClinGen allele CA137652795.